The following is an entry in ClinVar:

ClinVar aggregate classification (germline): Uncertain significance (1 of 4 stars; one submission).

Submission:

GeneDx
Classification: Uncertain significance. Last evaluated: 2022-12-15. Review status: criteria provided, single submitter. Criteria: GeneDx Variant Classification Process June 2021. Collection method: clinical testing. Allele origin: germline. Affected: yes.
Comment: Not observed at significant frequency in large population cohorts (gnomAD); In silico analysis supports that this missense variant does not alter protein structure/function; Has not been previously published as pathogenic or benign to our knowledge

NM_170675.5(MEIS2):c.187G>A (p.Ala63Thr)

Gene: MEIS2 (Meis homeobox 2; minus strand). Cytogenetic location: 15q14.
Variant type: single nucleotide variant.
Coding change: c.187G>A on transcript NM_170675.5 (MANE Select); coding-DNA position 187, G replaced by A.
Protein change: p.Ala63Thr; replaces alanine 63 with threonine.
Molecular consequence: missense variant. On other transcripts: 5 prime UTR variant (1), non-coding transcript variant (1).
Genome position (GRCh38, 1-based): chr15:37,098,025, C>T on the plus strand (G>A on the coding strand, the complement: MEIS2 is on the minus strand). VCF-style: chr15-37098025-C-T. GRCh37 (hg19) VCF-style: chr15-37390226-C-T.
Other names: c.187G>A, p.Ala63Thr (NM_001220482.2, NM_170674.5, NM_170676.5 and 1 more transcripts); c.148G>A, p.Ala50Thr (NM_002399.4, NM_172315.3); c.-55G>A (NM_172316.3); short protein forms A50T, A63T.
Identifiers: ClinVar variation 2505586 (VCV002505586.1), dbSNP rs2505269565, ClinGen allele CA391928947.
Genomic context (GRCh38, chr15:37,098,025, plus strand): 5'-ACCCATAGATCGCGTCCTTGTCCCGCTTCAAGGCGTCGTTGACAGCGGATCCCATACTGG[C>T]CGGCATGACATTGGGGTGCGGGGCGTGCGCGCCGTAGTGCTGTGTGGCGTGGAGCGGCGG-3'
Protein context (NP_733775.1, residues 53-73): AHAPHPNVMP[Ala63Thr]SMGSAVNDAL